The following is an entry in ClinVar:

ClinVar aggregate classification (germline): Uncertain significance (1 of 4 stars; one submission).

Conditions:
Osteogenesis imperfecta type 8 (OI8). Identifiers: MedGen C1970458, MONDO:0012581, OMIM 610915.

Allele frequency attached by ClinVar (database versions not stated): TOPMed 0.00001.
gnomAD v4.1: 16 of 1,614,014 alleles (0.00099%); highest among the groups gnomAD compares: Non-Finnish European, 0.0013%; no homozygotes.

Submission:

Labcorp Genetics (formerly Invitae), Labcorp
Classification: Uncertain significance for Osteogenesis imperfecta type 8. Last evaluated: 2022-07-01. Review status: criteria provided, single submitter. Criteria: Invitae Variant Classification Sherloc (09022015). Collection method: clinical testing. Allele origin: germline.
Comment: In summary, the available evidence is currently insufficient to determine the role of this variant in disease. Therefore, it has been classified as a Variant of Uncertain Significance. Algorithms developed to predict the effect of missense changes on protein structure and function are either unavailable or do not agree on the potential impact of this missense change (SIFT: "Deleterious"; PolyPhen-2: "Probably Damaging"; Align-GVGD: "Class C0"). ClinVar contains an entry for this variant (Variation ID: 1020845). This variant has not been reported in the literature in individuals affected with P3H1-related conditions. This variant is present in population databases (rs147230023, gnomAD 0.0009%). This sequence change replaces arginine, which is basic and polar, with glycine, which is neutral and non-polar, at codon 471 of the P3H1 protein (p.Arg471Gly).

NM_022356.4(P3H1):c.1411C>G (p.Arg471Gly)

Gene: P3H1 (prolyl 3-hydroxylase 1; minus strand). Cytogenetic location: 1p34.2.
Variant type: single nucleotide variant.
Coding change: c.1411C>G on transcript NM_022356.4 (MANE Select); coding-DNA position 1411, C replaced by G.
Protein change: p.Arg471Gly; replaces arginine 471 with glycine.
Molecular consequence: missense variant.
Genome position (GRCh38, 1-based): chr1:42,752,599, G>C on the plus strand (C>G on the coding strand, the complement: P3H1 is on the minus strand). VCF-style: chr1-42752599-G-C. GRCh37 (hg19) VCF-style: chr1-43218270-G-C.
Other names: c.1411C>G, p.Arg471Gly (NM_001146289.2, NM_001243246.2); short protein forms R471G.
Identifiers: ClinVar variation 1020845 (VCV001020845.7), dbSNP rs147230023, ClinGen allele CA801858.